The following is an entry in ClinVar:

NM_001366385.1(CARD14):c.613T>C (p.Tyr205His)

Gene: CARD14 (caspase recruitment domain family member 14; plus strand). Cytogenetic location: 17q25.3.
Variant type: single nucleotide variant.
Coding change: c.613T>C on transcript NM_001366385.1 (MANE Select); coding-DNA position 613, T replaced by C.
Protein change: p.Tyr205His; replaces tyrosine 205 with histidine.
Molecular consequence: missense variant. On other transcripts: non-coding transcript variant (1).
Genome position (GRCh38, 1-based): chr17:80,184,176, T>C. VCF-style: chr17-80184176-T-C. GRCh37 (hg19) VCF-style: chr17-78157975-T-C.
Other names: c.613T>C, p.Tyr205His (NM_001257970.1, NM_024110.4); c.613T>C (NM_024110.3); short protein forms Y205H.
Identifiers: ClinVar variation 851939 (VCV000851939.12), dbSNP rs182551076, ClinGen allele CA294858349.

ClinVar aggregate classification (germline): Uncertain significance. Review status: criteria provided, multiple submitters, no conflicts (2 of 4 stars). 2 submissions from 2 submitters: Uncertain significance (2). Last evaluated 2025-12-29.

Conditions:
Inborn genetic diseases. Identifiers: MedGen C0950123, MeSH D030342.
Pityriasis rubra pilaris (PRP). Also called: Pityriasis rubra pilaris--familial type. Identifiers: Orphanet 2897, MedGen C0032027, MONDO:0100017, OMIM 173200, MONDO:0008251.
Psoriasis 2. Identifiers: MedGen C1864497, MONDO:0011269, OMIM 602723.

Allele frequency attached by ClinVar (database versions not stated): 1000 Genomes Project below 0.00001; TOPMed 0.00001.

Submissions (2):

Labcorp Genetics (formerly Invitae), Labcorp
Classification: Uncertain significance for Pityriasis rubra pilaris; Psoriasis 2. Last evaluated: 2025-12-29. Review status: criteria provided, single submitter. Criteria: Invitae Variant Classification Sherloc (09022015). Collection method: clinical testing. Allele origin: germline.
Comment: This sequence change replaces tyrosine, which is neutral and polar, with histidine, which is basic and polar, at codon 205 of the CARD14 protein (p.Tyr205His). The frequency data for this variant in the population databases is considered unreliable, as metrics indicate poor data quality at this position in the gnomAD database. This variant has not been reported in the literature in individuals affected with CARD14-related conditions. ClinVar contains an entry for this variant (Variation ID: 851939). Invitae Evidence Modeling of protein sequence and biophysical properties (such as structural, functional, and spatial information, amino acid conservation, physicochemical variation, residue mobility, and thermodynamic stability) indicates that this missense variant is not expected to disrupt CARD14 protein function with a negative predictive value of 95%. In summary, the available evidence is currently insufficient to determine the role of this variant in disease. Therefore, it has been classified as a Variant of Uncertain Significance.

Ambry Genetics
Classification: Uncertain significance for Inborn genetic diseases. Last evaluated: 2023-06-01. Review status: criteria provided, single submitter. Criteria: Ambry Variant Classification Scheme 2023. Collection method: clinical testing. Allele origin: germline.